The following is an entry in ClinVar:

NM_001943.5(DSG2):c.1630T>G (p.Trp544Gly)

Gene: DSG2 (desmoglein 2; plus strand). Cytogenetic location: 18q12.1.
Variant type: single nucleotide variant.
Coding change: c.1630T>G on transcript NM_001943.5 (MANE Select); coding-DNA position 1630, T replaced by G.
Protein change: p.Trp544Gly; replaces tryptophan 544 with glycine.
Molecular consequence: missense variant.
Genome position (GRCh38, 1-based): chr18:31,536,408, T>G. VCF-style: chr18-31536408-T-G. GRCh37 (hg19) VCF-style: chr18-29116371-T-G.
Other names: short protein forms W544G.
Identifiers: ClinVar variation 2888650 (VCV002888650.3), dbSNP rs2510917987, ClinGen allele CA402142166.
Genomic context (GRCh38, chr18:31,536,408, plus strand): 5'-CCAAACAGTGGCCCTTTCAGTTTCTCCGTCATTGACAAACCACCTGGCATGGCAGAAAAA[T>G]GGAAAATAGCACGCCAAGAAAGTAAGCAAAATCACTGGACTACATAGAAATCTAAATATT-3'
Protein context (NP_001934.2, residues 534-554): IDKPPGMAEK[Trp544Gly]KIARQESTSV

ClinVar aggregate classification (germline): Uncertain significance (1 of 4 stars; one submission).

Conditions:
Arrhythmogenic right ventricular dysplasia 10. Also called: Arrhythmogenic Right Ventricular Dysplasia/Cardiomyopathy10; ARRHYTHMOGENIC RIGHT VENTRICULAR DYSPLASIA, FAMILIAL, 10; Arrhythmogenic right ventricular dysplasia/cardiomyopathy, type 10. Identifiers: MedGen C1857777, MONDO:0012434, OMIM 610193.

Allele frequency attached by ClinVar (database versions not stated): gnomAD exomes below 0.00001.
gnomAD v4.1: 1 of 1,613,722 alleles (0.000062%); highest among the groups gnomAD compares: Admixed American, 0.0017%; no homozygotes.

Submission:

Labcorp Genetics (formerly Invitae), Labcorp
Classification: Uncertain significance for Arrhythmogenic right ventricular dysplasia 10. Last evaluated: 2023-09-04. Review status: criteria provided, single submitter. Criteria: Invitae Variant Classification Sherloc (09022015). Collection method: clinical testing. Allele origin: germline.
Comment: This variant is not present in population databases (gnomAD no frequency). This sequence change replaces tryptophan, which is neutral and slightly polar, with glycine, which is neutral and non-polar, at codon 544 of the DSG2 protein (p.Trp544Gly). This variant has not been reported in the literature in individuals affected with DSG2-related conditions. In summary, the available evidence is currently insufficient to determine the role of this variant in disease. Therefore, it has been classified as a Variant of Uncertain Significance. Advanced modeling of protein sequence and biophysical properties (such as structural, functional, and spatial information, amino acid conservation, physicochemical variation, residue mobility, and thermodynamic stability) has been performed at Invitae for this missense variant, however the output from this modeling did not meet the statistical confidence thresholds required to predict the impact of this variant on DSG2 protein function.